The following is an entry in ClinVar:

NM_022081.6(HPS4):c.751A>T (p.Thr251Ser)

Gene: HPS4 (HPS4 biogenesis of lysosomal organelles complex 3 subunit 2; minus strand). Cytogenetic location: 22q12.1.
Variant type: single nucleotide variant.
Coding change: c.751A>T on transcript NM_022081.6 (MANE Select); coding-DNA position 751, A replaced by T.
Protein change: p.Thr251Ser; replaces threonine 251 with serine.
Molecular consequence: missense variant. On other transcripts: non-coding transcript variant (8).
Genome position (GRCh38, 1-based): chr22:26,465,507, T>A on the plus strand (A>T on the coding strand, the complement: HPS4 is on the minus strand). VCF-style: chr22-26465507-T-A. GRCh37 (hg19) VCF-style: chr22-26861473-T-A.
Other names: c.751A>T, p.Thr251Ser (NM_001349896.1, NM_001349898.2, NM_001349899.2 and 4 more transcripts); c.805A>T, p.Thr269Ser (NM_001349900.2, NM_001349901.1); c.736A>T, p.Thr246Ser (NM_152841.2); short protein forms T251S, T246S, T269S.
Identifiers: ClinVar variation 341016 (VCV000341016.27), dbSNP rs34962745, ClinGen allele CA10163504.

ClinVar aggregate classification (germline): Conflicting classifications of pathogenicity. Review status: criteria provided, conflicting classifications (1 of 4 stars). 7 submissions from 7 submitters: Uncertain significance (1); Benign (3); Likely benign (3). Last evaluated 2026-02-04.

Conditions:
Hermansky-Pudlak syndrome 4 (HPS4). Identifiers: Orphanet 231500, Orphanet 79430, MedGen C3484357, MONDO:0013556, OMIM 614073.
Oculocutaneous albinism. Identifiers: Orphanet 55, MedGen C0078918, MONDO:0018910.

Allele frequency attached by ClinVar (database versions not stated): 1000 Genomes Project 30x 0.00344; 1000 Genomes Project 0.00359; gnomAD 0.00686 and 0.00699; ExAC 0.00723; gnomAD exomes 0.00731 and 0.00948; ESP Exome Variant Server 0.00777; TOPMed 0.00819.
gnomAD v4.1: 14,919 of 1,613,952 alleles (0.92%); highest among the groups gnomAD compares: Middle Eastern, 1.3%; 92 homozygotes.

Submissions 1 to 30 of 51:

Labcorp Genetics (formerly Invitae), Labcorp
Classification: Benign. Last evaluated: 2026-02-04. Review status: criteria provided, single submitter. Criteria: Invitae Variant Classification Sherloc (09022015). Collection method: clinical testing. Allele origin: germline.

Mayo Clinic Laboratories, Mayo Clinic
Classification: Likely benign. Last evaluated: 2025-09-23. Review status: criteria provided, single submitter. Criteria: ACMG Guidelines, 2015. Collection method: clinical testing. Allele origin: germline. Observed: 9 variant alleles.
Comment: BS1, BS2, BP4, PM1_supporting

Blueprint Genetics
Classification: Likely benign. Last evaluated: 2024-11-28. Review status: criteria provided, single submitter. Criteria: ACMG Guidelines, 2015. Collection method: clinical testing. Allele origin: germline.

Dubai Health Genomic Medicine Center, Dubai Health
Classification: Benign for Hermansky-Pudlak syndrome 4. Last evaluated: 2020-12-10. Review status: criteria provided, single submitter. Criteria: ACMG Guidelines, 2015. Collection method: clinical testing. Allele origin: germline. Affected: yes.

Johns Hopkins Genomics, Johns Hopkins University
Classification: Likely benign for Hermansky-Pudlak syndrome 4. Last evaluated: 2019-05-29. Review status: criteria provided, single submitter. Criteria: ACMG Guidelines, 2015. Collection method: clinical testing. Allele origin: germline.

Genetics - Synnovis, NHS South East Genomic Laboratory Hub
Classification: Uncertain significance for Oculocutaneous albinism. Last evaluated: 2016-12-21. Review status: criteria provided, single submitter. Criteria: ACMG Guidelines, 2015. Collection method: clinical testing. Allele origin: unknown. Affected: yes. Clinical features observed: Ocular albinism (HP:0001107), Albinism (HP:0001022).
Comment: This variant may be associated with cardiomyopthy. There 3 individuals present in the ExAC database that are homozygous for this variant. Insufficient evidence to move out of uncertain significance classification.

Laboratory for Molecular Medicine, Mass General Brigham Personalized Medicine
Classification: Benign. Last evaluated: 2013-02-21. Review status: criteria provided, single submitter. Criteria: LMM Criteria. Collection method: clinical testing. Allele origin: germline. Observed: 1 variant allele.
Comment: Thr251Ser in exon 10 of HPS4: This variant is not expected to have clinical sign ificance because it has been identified in 1.1% (94/8600) of European American c hromosomes from a broad population by the NHLBI Exome Sequencing Project (dbSNP rs34962745).

Dr. Peter K. Rogan Lab, Western University
No classification provided (evidence only). Condition: Clear cell carcinoma of kidney. Review status: no classification provided. Collection method: in vitro. Allele origin: not applicable. Functional consequence: retained intron. Not counted in ClinVar's aggregate classification.

Dr. Peter K. Rogan Lab, Western University
No classification provided (evidence only). Condition: Clear cell carcinoma of kidney. Review status: no classification provided. Collection method: in vitro. Allele origin: not applicable. Functional consequence: skipped exon, retained intron. Not counted in ClinVar's aggregate classification.

Dr. Peter K. Rogan Lab, Western University
No classification provided (evidence only). Condition: Clear cell carcinoma of kidney. Review status: no classification provided. Collection method: in vitro. Allele origin: not applicable. Functional consequence: retained intron. Not counted in ClinVar's aggregate classification.

Dr. Peter K. Rogan Lab, Western University
No classification provided (evidence only). Condition: Lung cancer. Review status: no classification provided. Collection method: in vitro. Allele origin: not applicable. Functional consequence: retained intron. Not counted in ClinVar's aggregate classification.

Dr. Peter K. Rogan Lab, Western University
No classification provided (evidence only). Condition: Lung cancer. Review status: no classification provided. Collection method: in vitro. Allele origin: not applicable. Functional consequence: retained intron. Not counted in ClinVar's aggregate classification.

Dr. Peter K. Rogan Lab, Western University
No classification provided (evidence only). Condition: Lung cancer. Review status: no classification provided. Collection method: in vitro. Allele origin: not applicable. Functional consequence: retained intron. Not counted in ClinVar's aggregate classification.

Dr. Peter K. Rogan Lab, Western University
No classification provided (evidence only). Condition: Melanoma. Review status: no classification provided. Collection method: in vitro. Allele origin: not applicable. Functional consequence: skipped exon, retained intron. Not counted in ClinVar's aggregate classification.

Dr. Peter K. Rogan Lab, Western University
No classification provided (evidence only). Condition: Melanoma. Review status: no classification provided. Collection method: in vitro. Allele origin: not applicable. Functional consequence: retained intron. Not counted in ClinVar's aggregate classification.

Dr. Peter K. Rogan Lab, Western University
No classification provided (evidence only). Condition: Melanoma. Review status: no classification provided. Collection method: in vitro. Allele origin: not applicable. Functional consequence: skipped exon, retained intron. Not counted in ClinVar's aggregate classification.

Dr. Peter K. Rogan Lab, Western University
No classification provided (evidence only). Condition: Melanoma. Review status: no classification provided. Collection method: in vitro. Allele origin: not applicable. Functional consequence: retained intron. Not counted in ClinVar's aggregate classification.

Dr. Peter K. Rogan Lab, Western University
No classification provided (evidence only). Condition: Melanoma. Review status: no classification provided. Collection method: in vitro. Allele origin: not applicable. Functional consequence: skipped exon, retained intron. Not counted in ClinVar's aggregate classification.

Dr. Peter K. Rogan Lab, Western University
No classification provided (evidence only). Condition: Melanoma. Review status: no classification provided. Collection method: in vitro. Allele origin: not applicable. Functional consequence: skipped exon, retained intron. Not counted in ClinVar's aggregate classification.

Dr. Peter K. Rogan Lab, Western University
No classification provided (evidence only). Condition: Melanoma. Review status: no classification provided. Collection method: in vitro. Allele origin: not applicable. Functional consequence: retained intron. Not counted in ClinVar's aggregate classification.

Dr. Peter K. Rogan Lab, Western University
No classification provided (evidence only). Condition: Colorectal cancer. Review status: no classification provided. Collection method: in vitro. Allele origin: not applicable. Functional consequence: skipped exon. Not counted in ClinVar's aggregate classification.

Dr. Peter K. Rogan Lab, Western University
No classification provided (evidence only). Condition: Thyroid cancer, nonmedullary, 1. Review status: no classification provided. Collection method: in vitro. Allele origin: not applicable. Functional consequence: retained intron. Not counted in ClinVar's aggregate classification.

Dr. Peter K. Rogan Lab, Western University
No classification provided (evidence only). Condition: Thyroid cancer, nonmedullary, 1. Review status: no classification provided. Collection method: in vitro. Allele origin: not applicable. Functional consequence: skipped exon. Not counted in ClinVar's aggregate classification.

Dr. Peter K. Rogan Lab, Western University
No classification provided (evidence only). Condition: Thyroid cancer, nonmedullary, 1. Review status: no classification provided. Collection method: in vitro. Allele origin: not applicable. Functional consequence: skipped exon. Not counted in ClinVar's aggregate classification.

Dr. Peter K. Rogan Lab, Western University
No classification provided (evidence only). Condition: Thyroid cancer, nonmedullary, 1. Review status: no classification provided. Collection method: in vitro. Allele origin: not applicable. Functional consequence: skipped exon. Not counted in ClinVar's aggregate classification.

Dr. Peter K. Rogan Lab, Western University
No classification provided (evidence only). Condition: Thyroid cancer, nonmedullary, 1. Review status: no classification provided. Collection method: in vitro. Allele origin: not applicable. Functional consequence: skipped exon, retained intron. Not counted in ClinVar's aggregate classification.

Dr. Peter K. Rogan Lab, Western University
No classification provided (evidence only). Condition: Thyroid cancer, nonmedullary, 1. Review status: no classification provided. Collection method: in vitro. Allele origin: not applicable. Functional consequence: retained intron. Not counted in ClinVar's aggregate classification.

Dr. Peter K. Rogan Lab, Western University
No classification provided (evidence only). Condition: Cervical cancer. Review status: no classification provided. Collection method: in vitro. Allele origin: not applicable. Functional consequence: skipped exon, retained intron. Not counted in ClinVar's aggregate classification.

Dr. Peter K. Rogan Lab, Western University
No classification provided (evidence only). Condition: Cervical cancer. Review status: no classification provided. Collection method: in vitro. Allele origin: not applicable. Functional consequence: retained intron. Not counted in ClinVar's aggregate classification.

Dr. Peter K. Rogan Lab, Western University
No classification provided (evidence only). Condition: Cervical cancer. Review status: no classification provided. Collection method: in vitro. Allele origin: not applicable. Functional consequence: retained intron. Not counted in ClinVar's aggregate classification.